The following is an entry in ClinVar:

ClinVar aggregate classification (germline): Benign. Review status: criteria provided, multiple submitters, no conflicts (2 of 4 stars). 7 submissions from 7 submitters: Benign (6). 1 of the submissions does not count toward it. Last evaluated 2026-02-04.

Conditions:
Joubert syndrome 17 (JBTS17). Identifiers: Orphanet 475, MedGen C3553264, MONDO:0013824, OMIM 614615.

Allele frequency attached by ClinVar (database versions not stated): gnomAD exomes 0.00201 and 0.00548; ExAC 0.00691; gnomAD 0.02152 and 0.02308; TOPMed 0.02381; 1000 Genomes Project 30x 0.02389; 1000 Genomes Project 0.02436; ESP Exome Variant Server 0.02630.
gnomAD v4.1: 6,362 of 1,613,798 alleles (0.39%); highest among the groups gnomAD compares: African/African-American, 7.6%; 236 homozygotes.

Submissions (7):

Labcorp Genetics (formerly Invitae), Labcorp
Classification: Benign. Last evaluated: 2026-02-04. Review status: criteria provided, single submitter. Criteria: Invitae Variant Classification Sherloc (09022015). Collection method: clinical testing. Allele origin: germline.

Mayo Clinic Laboratories, Mayo Clinic
Classification: Benign. Last evaluated: 2023-04-03. Review status: criteria provided, single submitter. Criteria: ACMG Guidelines, 2015. Collection method: clinical testing. Allele origin: germline. Observed: 3 variant alleles.

Illumina Laboratory Services, Illumina
Classification: Benign for Joubert syndrome 17. Last evaluated: 2018-01-12. Review status: criteria provided, single submitter. Criteria: ICSL Variant Classification Criteria 13 December 2019. Collection method: clinical testing. Allele origin: germline.
Comment: This variant was observed in the ICSL laboratory as part of a predisposition screen in an ostensibly healthy population. It had not been previously curated by ICSL or reported in the Human Gene Mutation Database (HGMD: prior to June 1st, 2018), and was therefore a candidate for classification through an automated scoring system. Utilizing variant allele frequency, disease prevalence and penetrance estimates, and inheritance mode, an automated score was calculated to assess if this variant is too frequent to cause the disease. Based on the score and internal cut-off values, a variant classified as benign is not then subjected to further curation. The score for this variant resulted in a classification of benign for this disease.

GeneDx
Classification: Benign. Last evaluated: 2016-10-03. Review status: criteria provided, single submitter. Criteria: GeneDx Variant Classification (06012015). Collection method: clinical testing. Allele origin: germline. Affected: yes.
Comment: This variant is considered likely benign or benign based on one or more of the following criteria: it is a conservative change, it occurs at a poorly conserved position in the protein, it is predicted to be benign by multiple in silico algorithms, and/or has population frequency not consistent with disease.

Breakthrough Genomics
Classification: Benign. Review status: criteria provided, single submitter. Criteria: ACMG Guidelines, 2015. Collection method: not provided. Allele origin: germline. Inheritance: Autosomal recessive inheritance. Affected: yes.

PreventionGenetics, part of Exact Sciences
Classification: Benign. Review status: criteria provided, single submitter. Criteria: ACMG Guidelines, 2015. Collection method: clinical testing. Allele origin: germline.

Genetic Services Laboratory, University of Chicago
Classification: Likely benign. Review status: no assertion criteria provided. Collection method: clinical testing. Allele origin: germline. Inheritance: Autosomal recessive inheritance. Not counted in ClinVar's aggregate classification.
Comment: Likely benign based on allele frequency in 1000 Genomes Project or ESP global frequency and its presence in a patient with a rare or unrelated disease phenotype. NOT Sanger confirmed

NM_001384732.1(CPLANE1):c.7775C>T (p.Pro2592Leu)

Gene: CPLANE1 (ciliogenesis and planar polarity effector complex subunit 1; minus strand). Cytogenetic location: 5p13.2.
Variant type: single nucleotide variant.
Coding change: c.7775C>T on transcript NM_001384732.1 (MANE Select); coding-DNA position 7775, C replaced by T.
Protein change: p.Pro2592Leu; replaces proline 2592 with leucine.
Molecular consequence: missense variant.
Genome position (GRCh38, 1-based): chr5:37,158,261, G>A on the plus strand (C>T on the coding strand, the complement: CPLANE1 is on the minus strand). VCF-style: chr5-37158261-G-A. GRCh37 (hg19) VCF-style: chr5-37158363-G-A.
Other names: c.7775C>T, p.Pro2592Leu (NM_023073.4); short protein forms P2592L.
Identifiers: ClinVar variation 158052 (VCV000158052.22), dbSNP rs16903518, ClinGen allele CA171461.